The following is an entry in ClinVar:

NM_000553.6(WRN):c.2031G>C (p.Gly677=)

Gene: WRN (WRN RecQ like helicase; plus strand). Cytogenetic location: 8p12.
Variant type: single nucleotide variant.
Coding change: c.2031G>C on transcript NM_000553.6 (MANE Select); coding-DNA position 2031, G replaced by C.
Protein change: p.Gly677=; no amino-acid change (glycine 677 retained).
Molecular consequence: synonymous variant.
Genome position (GRCh38, 1-based): chr8:31,100,898, G>C. VCF-style: chr8-31100898-G-C. GRCh37 (hg19) VCF-style: chr8-30958414-G-C.
Identifiers: ClinVar variation 3008647 (VCV003008647.6), dbSNP rs776209945, ClinGen allele CA174868173.

ClinVar aggregate classification (germline): Likely benign. Review status: criteria provided, multiple submitters, no conflicts (2 of 4 stars). 3 submissions from 3 submitters: Likely benign (2). 1 of the submissions does not count toward it. Last evaluated 2023-06-14.

Conditions:
WRN-related disorder. Also called: WRN-related condition.
Werner syndrome (WRN). Identifiers: Orphanet 902, MedGen C0043119, MONDO:0010196, OMIM 277700.

Submissions (3):

Labcorp Genetics (formerly Invitae), Labcorp
Classification: Likely benign for Werner syndrome. Last evaluated: 2023-06-14. Review status: criteria provided, single submitter. Criteria: Invitae Variant Classification Sherloc (09022015). Collection method: clinical testing. Allele origin: germline.

Blueprint Genetics
Classification: Likely benign. Last evaluated: 2022-08-09. Review status: criteria provided, single submitter. Criteria: ACMG Guidelines, 2015. Collection method: clinical testing. Allele origin: germline.

PreventionGenetics, part of Exact Sciences
Classification: Likely benign for WRN-related condition. Last evaluated: 2022-05-11. Review status: no assertion criteria provided. Collection method: clinical testing. Allele origin: germline. Not counted in ClinVar's aggregate classification.
Comment: This variant is classified as likely benign based on ACMG/AMP sequence variant interpretation guidelines (Richards et al. 2015 PMID: 25741868, with internal and published modifications).